The following is an entry in ClinVar:

NM_001378454.1(ALMS1):c.6440A>G (p.Lys2147Arg)

Gene: ALMS1 (ALMS1 centrosome and basal body associated protein; plus strand). Cytogenetic location: 2p13.1.
Variant type: single nucleotide variant.
Coding change: c.6440A>G on transcript NM_001378454.1 (MANE Select); coding-DNA position 6440, A replaced by G.
Protein change: p.Lys2147Arg; replaces lysine 2147 with arginine.
Molecular consequence: missense variant.
Genome position (GRCh38, 1-based): chr2:73,452,967, A>G. VCF-style: chr2-73452967-A-G. GRCh37 (hg19) VCF-style: chr2-73680094-A-G.
Other names: c.6443A>G, p.Lys2148Arg (NM_015120.4); short protein forms K2148R, K2147R.
Identifiers: ClinVar variation 4978539 (VCV004978539.1).
Genomic context (GRCh38, chr2:73,452,967, plus strand): 5'-CAGCTGGCCAGAAAACAGTATTACCAACAGCTCTTCCTAGTTCCTTTTCACATCGAGAGA[A>G]ACCAGATATTTTCTATCAAAAGGATTTGCCAGATAGACATCTAACTGAAGATGCTCTAAA-3'
Protein context (NP_001365383.1, residues 2137-2157): ALPSSFSHRE[Lys2147Arg]PDIFYQKDLP

ClinVar aggregate classification (germline): Uncertain significance (1 of 4 stars; one submission).

Conditions:
ALMS1-related disorder. Also called: ALMS1-related condition.

Submission:

PreventionGenetics, part of Exact Sciences
Classification: Uncertain significance for ALMS1-related condition. Last evaluated: 2025-04-24. Review status: criteria provided, single submitter. Criteria: ACMG Guidelines, 2015. Collection method: clinical testing. Allele origin: germline.
Comment: The ALMS1 c.6443A>G variant is predicted to result in the amino acid substitution p.Asp2148Gly. To our knowledge, this variant has not been reported in the literature or in a large population database (gnomAD), indicating this variant is rare. At this time, the clinical significance of this variant is uncertain due to the absence of conclusive functional and genetic evidence.